The following is an entry in ClinVar:

NM_005429.5(VEGFC):c.1156C>T (p.Arg386Trp)

Genes: HAFML (HuR (ELAVL1) associated fibroblast migratory lncRNA; plus strand), VEGFC (vascular endothelial growth factor C; minus strand). Cytogenetic location: 4q34.3.
Variant type: single nucleotide variant.
Coding change: c.1156C>T on transcript NM_005429.5 (MANE Select); coding-DNA position 1156, C replaced by T.
Protein change: p.Arg386Trp; replaces arginine 386 with tryptophan.
Molecular consequence: missense variant.
Genome position (GRCh38, 1-based): chr4:176,684,030, G>A on the plus strand (C>T on the coding strand, the complement: VEGFC is on the minus strand). VCF-style: chr4-176684030-G-A. GRCh37 (hg19) VCF-style: chr4-177605184-G-A.
Other names: short protein forms R386W.
Identifiers: ClinVar variation 1509251 (VCV001509251.7), dbSNP rs370465436, ClinGen allele CA3145748.

ClinVar aggregate classification (germline): Conflicting classifications of pathogenicity. Review status: criteria provided, conflicting classifications (1 of 4 stars). 2 submissions from 2 submitters: Uncertain significance (1); Benign (1). Last evaluated 2022-05-04.

Allele frequency attached by ClinVar (database versions not stated): gnomAD 0.00001 and 0.00002; gnomAD exomes 0.00001; ExAC 0.00003; TOPMed 0.00005; ESP Exome Variant Server 0.00008.
gnomAD v4.1: 17 of 1,613,556 alleles (0.0011%); highest among the groups gnomAD compares: Middle Eastern, 0.016%; no homozygotes.

Submissions (2):

Mendelics
Classification: Benign. Last evaluated: 2022-05-04. Review status: criteria provided, single submitter. Criteria: Mendelics Assertion Criteria 2019. Collection method: clinical testing. Allele origin: germline.

Labcorp Genetics (formerly Invitae), Labcorp
Classification: Uncertain significance. Last evaluated: 2021-10-06. Review status: criteria provided, single submitter. Criteria: Invitae Variant Classification Sherloc (09022015). Collection method: clinical testing. Allele origin: germline.
Comment: In summary, the available evidence is currently insufficient to determine the role of this variant in disease. Therefore, it has been classified as a Variant of Uncertain Significance. Experimental studies and prediction algorithms are not available or were not evaluated, and the functional significance of this variant is currently unknown. This variant has not been reported in the literature in individuals affected with VEGFC-related conditions. This variant is present in population databases (rs370465436, ExAC 0.01%). This sequence change replaces arginine with tryptophan at codon 386 of the VEGFC protein (p.Arg386Trp). The arginine residue is moderately conserved and there is a moderate physicochemical difference between arginine and tryptophan.